The following is an entry in ClinVar:

ClinVar aggregate classification (germline): Benign/Likely benign. Review status: criteria provided, multiple submitters, no conflicts (2 of 4 stars). 3 submissions from 3 submitters: Benign (1); Likely benign (2). Last evaluated 2025-01-21.

Conditions:
Familial cancer of breast. Also called: BREAST CANCER, FAMILIAL; Hereditary breast cancer; hereditary breast carcinoma. Identifiers: Orphanet 227535, MedGen C0346153, MONDO:0016419, OMIM 114480. Disease mechanism: loss of function.
Hereditary cancer-predisposing syndrome. Also called: Hereditary Cancer Syndrome; Neoplastic Syndromes, Hereditary; Tumor predisposition; Hereditary neoplastic syndrome. Identifiers: Orphanet 140162, MedGen C0027672, MeSH D009386, MONDO:0015356.

Submissions (3):

Myriad Genetics, Inc.
Classification: Benign for Familial cancer of breast. Last evaluated: 2025-01-21. Review status: criteria provided, single submitter. Criteria: Myriad Autosomal Dominant, Autosomal Recessive and X-Linked Classification Criteria (2023). Collection method: clinical testing. Allele origin: unknown.
Comment: This variant is considered benign. This variant is a silent/synonymous amino acid change and it is not expected to impact splicing.

Labcorp Genetics (formerly Invitae), Labcorp
Classification: Likely benign for Familial cancer of breast. Last evaluated: 2024-10-16. Review status: criteria provided, single submitter. Criteria: Invitae Variant Classification Sherloc (09022015). Collection method: clinical testing. Allele origin: germline.

Ambry Genetics
Classification: Likely benign for Hereditary cancer-predisposing syndrome. Last evaluated: 2017-05-31. Review status: criteria provided, single submitter. Criteria: Ambry Variant Classification Scheme 2023. Collection method: clinical testing. Allele origin: germline.

NM_024675.4(PALB2):c.2910T>G (p.Leu970=)

Gene: PALB2 (partner and localizer of BRCA2; minus strand). Cytogenetic location: 16p12.2.
Variant type: single nucleotide variant.
Coding change: c.2910T>G on transcript NM_024675.4 (MANE Select); coding-DNA position 2910, T replaced by G.
Protein change: p.Leu970=; no amino-acid change (leucine 970 retained).
Molecular consequence: synonymous variant.
Genome position (GRCh38, 1-based): chr16:23,623,055, A>C on the plus strand (T>G on the coding strand, the complement: PALB2 is on the minus strand). VCF-style: chr16-23623055-A-C. GRCh37 (hg19) VCF-style: chr16-23634376-A-C.
Identifiers: ClinVar variation 480292 (VCV000480292.8), dbSNP rs1555459558, ClinGen allele CA494180458.